The following is an entry in ClinVar:

ClinVar aggregate classification (germline): Uncertain significance. Review status: criteria provided, multiple submitters, no conflicts (2 of 4 stars). 5 submissions from 5 submitters: Uncertain significance (5). Last evaluated 2025-11-25.

Conditions:
Senior-Loken syndrome 1 (SLSN1). Also called: JUVENILE NEPHRONOPHTHISIS WITH LEBER AMAUROSIS. Identifiers: Orphanet 3156, MedGen C4551559, MONDO:0009962, OMIM 266900.
Joubert syndrome with renal defect. Also called: JOUBERT SYNDROME 4. Identifiers: Orphanet 220497, MedGen C1846790, MONDO:0012308, OMIM 609583.
Nephronophthisis 1 (NPHP1). Also called: Nephronophthisis familial juvenile. Identifiers: Orphanet 655, Orphanet 93592, MedGen C1855681, MONDO:0009728, OMIM 256100.
Nephronophthisis. Also called: Juvenile Nephronophthisis. Identifiers: Orphanet 655, MedGen C0687120, MONDO:0019005, HP:0000090.
NPHP1-related disorder. Also called: NPHP1-related condition; NPHP1-related disorders.

Allele frequency attached by ClinVar (database versions not stated): TOPMed 0.00004; gnomAD 0.00005 and 0.00006; 1000 Genomes Project 30x 0.00016; 1000 Genomes Project 0.00020.
gnomAD v4.1: 27 of 1,613,202 alleles (0.0017%); highest among the groups gnomAD compares: East Asian, 0.013%; no homozygotes.

Submissions (5):

GeneDx
Classification: Uncertain significance. Last evaluated: 2025-11-25. Review status: criteria provided, single submitter. Criteria: GeneDx Variant Classification Process June 2021. Collection method: clinical testing. Allele origin: germline. Affected: yes.
Comment: Not observed at significant frequency in large population cohorts (gnomAD); In silico analysis supports that this missense variant has a deleterious effect on protein structure/function; Reported with a second NPHP1 variant on the opposite allele (in trans) in a patient with isolated congenital nephrotic syndrome in the published literature; however, this individual also had variants in another gene that may have been responsible for the phenotype (PMID: 27004562); This variant is associated with the following publications: (PMID: 27004562)

Mayo Clinic Laboratories, Mayo Clinic
Classification: Uncertain significance. Last evaluated: 2025-09-24. Review status: criteria provided, single submitter. Criteria: ACMG Guidelines, 2015. Collection method: clinical testing. Allele origin: germline. Observed: 1 variant allele.
Comment: PP3_moderate, PM2_supporting

PreventionGenetics, part of Exact Sciences
Classification: Uncertain significance for NPHP1-related condition. Last evaluated: 2025-09-15. Review status: criteria provided, single submitter. Criteria: ACMG Guidelines, 2015. Collection method: clinical testing. Allele origin: germline.
Comment: The NPHP1 c.1757G>A variant is predicted to result in the amino acid substitution p.Arg586Gln. This variant has been reported in the compound heterozygous state along with a second NPHP1 variant in an individual with nephrotic syndrome, who also carried two compound heterozygous variants in LAMB2 gene (Qiu et al 2016. PubMed ID: 27004562). This variant is reported in 0.0050% of alleles in individuals of East Asian descent in gnomAD. At this time, the clinical significance of this variant is uncertain due to the absence of conclusive functional and genetic evidence.

Fulgent Genetics
Classification: Uncertain significance for Nephronophthisis 1; Senior-Loken syndrome 1; Joubert syndrome with renal defect. Last evaluated: 2024-03-06. Review status: criteria provided, single submitter. Criteria: ACMG Guidelines, 2015. Collection method: clinical testing. Allele origin: germline.

Labcorp Genetics (formerly Invitae), Labcorp
Classification: Uncertain significance for Nephronophthisis. Last evaluated: 2022-09-06. Review status: criteria provided, single submitter. Criteria: Invitae Variant Classification Sherloc (09022015). Collection method: clinical testing. Allele origin: germline.
Comment: This sequence change replaces arginine, which is basic and polar, with glutamine, which is neutral and polar, at codon 586 of the NPHP1 protein (p.Arg586Gln). This variant is present in population databases (rs534052463, gnomAD 0.005%). This missense change has been observed in individual(s) with congenital nephrotic syndrome (PMID: 27004562). ClinVar contains an entry for this variant (Variation ID: 1303342). Algorithms developed to predict the effect of missense changes on protein structure and function are either unavailable or do not agree on the potential impact of this missense change (SIFT: "Deleterious"; PolyPhen-2: "Probably Damaging"; Align-GVGD: "Class C0"). In summary, the available evidence is currently insufficient to determine the role of this variant in disease. Therefore, it has been classified as a Variant of Uncertain Significance.

Literature cited by the submitters: PubMed 27004562 (cited by Mayo Clinic Laboratories, Mayo Clinic and Labcorp Genetics (formerly Invitae), Labcorp).

NM_001128178.3(NPHP1):c.1589G>A (p.Arg530Gln)

Gene: NPHP1 (nephrocystin 1; minus strand). Cytogenetic location: 2q13.
Variant type: single nucleotide variant.
Coding change: c.1589G>A on transcript NM_001128178.3 (MANE Select); coding-DNA position 1589, G replaced by A.
Protein change: p.Arg530Gln; replaces arginine 530 with glutamine.
Molecular consequence: missense variant.
Genome position (GRCh38, 1-based): chr2:110,131,732, C>T on the plus strand (G>A on the coding strand, the complement: NPHP1 is on the minus strand). VCF-style: chr2-110131732-C-T. GRCh37 (hg19) VCF-style: chr2-110889309-C-T.
Other names: p.Arg586Gln; c.1757G>A, p.Arg586Gln (NM_000272.5); c.1400G>A, p.Arg467Gln (NM_001128179.3); c.1586G>A, p.Arg529Gln (NM_001374256.1); c.1589G>A, p.Arg530Gln (NM_001374257.1); c.1754G>A, p.Arg585Gln (NM_207181.4); short protein forms R467Q, R529Q, R530Q, R585Q, R586Q.
Identifiers: ClinVar variation 1303342 (VCV001303342.12), dbSNP rs534052463, ClinGen allele CA1826964.